The following is an entry in ClinVar:

NM_001257180.2(SLC20A2):c.838A>G (p.Asn280Asp)

Gene: SLC20A2 (solute carrier family 20 member 2; minus strand). Cytogenetic location: 8p11.21.
Variant type: single nucleotide variant.
Coding change: c.838A>G on transcript NM_001257180.2 (MANE Select); coding-DNA position 838, A replaced by G.
Protein change: p.Asn280Asp; replaces asparagine 280 with aspartic acid.
Molecular consequence: missense variant.
Genome position (GRCh38, 1-based): chr8:42,439,546, T>C on the plus strand (A>G on the coding strand, the complement: SLC20A2 is on the minus strand). VCF-style: chr8-42439546-T-C. GRCh37 (hg19) VCF-style: chr8-42297064-T-C.
Other names: c.838A>G, p.Asn280Asp (NM_001257181.2, NM_006749.5); short protein forms N280D.
Identifiers: ClinVar variation 3370880 (VCV003370880.1).

ClinVar aggregate classification (germline): Uncertain significance (1 of 4 stars; one submission).

gnomAD v4.1: 1 of 1,614,204 alleles (0.000062%); highest among the groups gnomAD compares: East Asian, 0.0022%; no homozygotes.

Submission:

GeneDx
Classification: Uncertain significance. Last evaluated: 2024-03-11. Review status: criteria provided, single submitter. Criteria: GeneDx Variant Classification Process June 2021. Collection method: clinical testing. Allele origin: germline. Affected: yes.
Comment: Not observed at significant frequency in large population cohorts (gnomAD); In silico analysis supports that this missense variant does not alter protein structure/function; Has not been previously published as pathogenic or benign to our knowledge